The following is an entry in ClinVar:

NM_001035.3(RYR2):c.14091-25G>A

Gene: RYR2 (ryanodine receptor 2; plus strand). Cytogenetic location: 1q43.
Variant type: single nucleotide variant.
Coding change: c.14091-25G>A on transcript NM_001035.3 (MANE Select); 25 bases into the intron before coding-DNA position 14091, G replaced by A.
Molecular consequence: intron variant.
Genome position (GRCh38, 1-based): chr1:237,801,831, G>A. VCF-style: chr1-237801831-G-A. GRCh37 (hg19) VCF-style: chr1-237965131-G-A.
Other names: c.14091-25G>A (LRG_402t1).
Identifiers: ClinVar variation 257203 (VCV000257203.10), dbSNP rs9428384, ClinGen allele CA085572.

ClinVar aggregate classification (germline): Benign. Review status: criteria provided, multiple submitters, no conflicts (2 of 4 stars). 7 submissions from 5 submitters: Benign (7). Last evaluated 2026-09-21.

Conditions:
Arrhythmogenic right ventricular dysplasia 2. Identifiers: MedGen C1832931.
Catecholaminergic polymorphic ventricular tachycardia 1. Also called: VENTRICULAR TACHYCARDIA, CATECHOLAMINERGIC POLYMORPHIC, 1, WITH OR WITHOUT ATRIAL DYSFUNCTION AND/OR DILATED CARDIOMYOPATHY; RYR2-Related Catecholaminergic Polymorphic Ventricular Tachycardia; VENTRICULAR TACHYCARDIA, STRESS-INDUCED POLYMORPHIC 1. Identifiers: Orphanet 3286, MedGen C1631597, MONDO:0011484, OMIM 604772.
Cardiac arrhythmia. Also called: Cardiac rhythm disease; Arrhythmia. Identifiers: MedGen C0003811, MONDO:0007263, HP:0011675.

Allele frequency attached by ClinVar (database versions not stated): 1000 Genomes Project 30x 0.39803; ESP Exome Variant Server 0.34868; gnomAD 0.37110; ExAC 0.41779; TOPMed 0.35440; 1000 Genomes Project 0.40515; gnomAD exomes 0.41265.
gnomAD v4.1: 582,438 of 1,447,184 alleles (40%); highest among the groups gnomAD compares: East Asian, 64%; 121,790 homozygotes.

Submissions (7):

Molecular Diagnostic Laboratory for Inherited Cardiovascular Disease, Montreal Heart Institute
Classification: Benign. Last evaluated: 2026-09-21. Review status: criteria provided, single submitter. Criteria: ACMG Guidelines, 2015. Collection method: clinical testing. Allele origin: germline. Affected: no.
Comment: BA1

Genome-Nilou Lab
Classification: Benign for Catecholaminergic polymorphic ventricular tachycardia 1. Last evaluated: 2021-11-07. Review status: criteria provided, single submitter. Criteria: ACMG Guidelines, 2015. Collection method: clinical testing. Allele origin: germline. Affected: no.

Genome-Nilou Lab
Classification: Benign for Ventricular arrhythmias due to cardiac ryanodine receptor calcium release deficiency syndrome. Last evaluated: 2021-11-07. Review status: criteria provided, single submitter. Criteria: ACMG Guidelines, 2015. Collection method: clinical testing. Allele origin: germline. Affected: no.

Genome-Nilou Lab
Classification: Benign for Catecholaminergic polymorphic ventricular tachycardia 1. Last evaluated: 2021-11-07. Review status: criteria provided, single submitter. Criteria: ACMG Guidelines, 2015. Collection method: clinical testing. Allele origin: germline. Affected: no.

GeneDx
Classification: Benign. Last evaluated: 2019-08-18. Review status: criteria provided, single submitter. Criteria: GeneDx Variant Classification Process June 2021. Collection method: clinical testing. Allele origin: germline. Affected: yes.

Breakthrough Genomics
Classification: Benign. Review status: criteria provided, single submitter. Criteria: ACMG Guidelines, 2015. Collection method: not provided. Allele origin: germline. Inheritance: Autosomal dominant inheritance. Affected: yes.

PreventionGenetics, part of Exact Sciences
Classification: Benign. Review status: criteria provided, single submitter. Criteria: ACMG Guidelines, 2015. Collection method: clinical testing. Allele origin: germline.